The following is an entry in ClinVar:

NM_001038603.3(MARVELD2):c.592G>A (p.Val198Met)

Gene: MARVELD2 (MARVEL domain containing 2; plus strand). Cytogenetic location: 5q13.2.
Variant type: single nucleotide variant.
Coding change: c.592G>A on transcript NM_001038603.3 (MANE Select); coding-DNA position 592, G replaced by A.
Protein change: p.Val198Met; replaces valine 198 with methionine.
Molecular consequence: missense variant.
Genome position (GRCh38, 1-based): chr5:69,419,977, G>A. VCF-style: chr5-69419977-G-A. GRCh37 (hg19) VCF-style: chr5-68715804-G-A.
Other names: c.592G>A, p.Val198Met (NM_001244734.2); short protein forms V198M.
Identifiers: ClinVar variation 163967 (VCV000163967.18), dbSNP rs201914751, ClinGen allele CA176716.

ClinVar aggregate classification (germline): Likely benign. Review status: criteria provided, multiple submitters, no conflicts (2 of 4 stars). 5 submissions from 5 submitters: Likely benign (4). 1 of the submissions does not count toward it. Last evaluated 2025-05-22.

Conditions:
MARVELD2-related disorder. Also called: MARVELD2-related condition.

Allele frequency attached by ClinVar (database versions not stated): ESP Exome Variant Server 0.00008; gnomAD exomes 0.00010 and 0.00028; gnomAD 0.00012 and 0.00007; ExAC 0.00018; TOPMed 0.00021; 1000 Genomes Project 30x 0.00047; 1000 Genomes Project 0.00060.
gnomAD v4.1: 156 of 1,614,192 alleles (0.0097%); highest among the groups gnomAD compares: East Asian, 0.33%; no homozygotes.

Submissions (5):

Labcorp Genetics (formerly Invitae), Labcorp
Classification: Likely benign. Last evaluated: 2025-05-22. Review status: criteria provided, single submitter. Criteria: Invitae Variant Classification Sherloc (09022015). Collection method: clinical testing. Allele origin: germline.

Blueprint Genetics
Classification: Likely benign. Last evaluated: 2023-02-24. Review status: criteria provided, single submitter. Criteria: ACMG Guidelines, 2015. Collection method: clinical testing. Allele origin: germline.

GeneDx
Classification: Likely benign. Last evaluated: 2021-01-19. Review status: criteria provided, single submitter. Criteria: GeneDx Variant Classification Process June 2021. Collection method: clinical testing. Allele origin: germline. Affected: yes.
Comment: This variant is associated with the following publications: (PMID: 30406641)

Laboratory for Molecular Medicine, Mass General Brigham Personalized Medicine
Classification: Likely benign. Last evaluated: 2017-11-22. Review status: criteria provided, single submitter. Criteria: LMM Criteria. Collection method: clinical testing. Allele origin: germline. Observed: 2 variant alleles.
Comment: p.Val198Met in exon 2 of MARVELD2: This variant is not expected to have clinical significance because it has been identified in 0.4% (72/18870) of East Asian ch romosomes by the Genome Aggregation Database (gnomAD; dbSNP rs201914751). ACMG/AMP Criteria applied: BS1.

PreventionGenetics, part of Exact Sciences
Classification: Likely benign for MARVELD2-related condition. Last evaluated: 2022-12-23. Review status: no assertion criteria provided. Collection method: clinical testing. Allele origin: germline. Not counted in ClinVar's aggregate classification.
Comment: This variant is classified as likely benign based on ACMG/AMP sequence variant interpretation guidelines (Richards et al. 2015 PMID: 25741868, with internal and published modifications).